The following is an entry in ClinVar:

NM_019597.5(HNRNPH2):c.656A>T (p.Tyr219Phe)

Genes: HNRNPH2 (heterogeneous nuclear ribonucleoprotein H2; plus strand), RPL36A-HNRNPH2 (RPL36A-HNRNPH2 readthrough; plus strand). Cytogenetic location: Xq22.1.
Variant type: single nucleotide variant.
Coding change: c.656A>T on transcript NM_019597.5 (MANE Select); coding-DNA position 656, A replaced by T.
Protein change: p.Tyr219Phe; replaces tyrosine 219 with phenylalanine.
Molecular consequence: missense variant. On other transcripts: 3 prime UTR variant (2).
Genome position (GRCh38, 1-based): chrX:101,412,644, A>T. VCF-style: chrX-101412644-A-T. GRCh37 (hg19) VCF-style: chrX-100667632-A-T.
Other names: c.*652A>T (NM_001199973.2, NM_001199974.2); c.656A>T, p.Tyr219Phe (NM_001032393.3); short protein forms Y219F.
Identifiers: ClinVar variation 4813409 (VCV004813409.1).

ClinVar aggregate classification (germline): Uncertain significance (1 of 4 stars; one submission).

gnomAD v4.1: 2 of 1,210,684 alleles (0.00017%); highest among the groups gnomAD compares: South Asian, 0.0018%; no homozygotes.

Submission:

GeneDx
Classification: Uncertain significance. Last evaluated: 2025-09-16. Review status: criteria provided, single submitter. Criteria: GeneDx Variant Classification Process June 2021. Collection method: clinical testing. Allele origin: germline. Affected: yes.
Comment: In silico analysis suggests that this missense variant does not alter protein structure/function; Has not been previously published as pathogenic or benign to our knowledge